The following is an entry in ClinVar:

ClinVar aggregate classification (germline): Uncertain significance. Review status: criteria provided, single submitter (1 of 4 stars). 2 submissions from 2 submitters: Uncertain significance (1). 1 of the submissions does not count toward it. Last evaluated 2025-10-27.

Conditions:
SLC25A13-related disorder. Also called: SLC25A13-related condition.
Inborn genetic diseases. Identifiers: MedGen C0950123, MeSH D030342.

Submissions (2):

Ambry Genetics
Classification: Uncertain significance for Inborn genetic diseases. Last evaluated: 2025-10-27. Review status: criteria provided, single submitter. Criteria: Ambry Variant Classification Scheme 2023. Collection method: clinical testing. Allele origin: germline.

PreventionGenetics, part of Exact Sciences
Classification: Uncertain significance for SLC25A13-related condition. Last evaluated: 2024-03-05. Review status: no assertion criteria provided. Collection method: clinical testing. Allele origin: germline. Not counted in ClinVar's aggregate classification.
Comment: The SLC25A13 c.559A>G variant is predicted to result in the amino acid substitution p.Met187Val. To our knowledge, this variant has not been reported in the literature or in a large population database, indicating this variant is rare. At this time, the clinical significance of this variant is uncertain due to the absence of conclusive functional and genetic evidence.

NM_014251.3(SLC25A13):c.559A>G (p.Met187Val)

Gene: SLC25A13 (solute carrier family 25 member 13; minus strand). Cytogenetic location: 7q21.3.
Variant type: single nucleotide variant.
Coding change: c.559A>G on transcript NM_014251.3 (MANE Select); coding-DNA position 559, A replaced by G.
Protein change: p.Met187Val; replaces methionine 187 with valine.
Molecular consequence: missense variant. On other transcripts: non-coding transcript variant (1).
Genome position (GRCh38, 1-based): chr7:96,193,093, T>C on the plus strand (A>G on the coding strand, the complement: SLC25A13 is on the minus strand). VCF-style: chr7-96193093-T-C. GRCh37 (hg19) VCF-style: chr7-95822405-T-C.
Other names: c.559A>G, p.Met187Val (NM_001160210.2); short protein forms M187V.
Identifiers: ClinVar variation 3358528 (VCV003358528.2).